The following is an entry in ClinVar:

NM_001130009.3(GEN1):c.929G>T (p.Ser310Ile)

Gene: GEN1 (GEN1 Holliday junction 5' flap endonuclease; plus strand). Cytogenetic location: 2p24.2.
Variant type: single nucleotide variant.
Coding change: c.929G>T on transcript NM_001130009.3 (MANE Select); coding-DNA position 929, G replaced by T.
Protein change: p.Ser310Ile; replaces serine 310 with isoleucine.
Molecular consequence: missense variant.
Genome position (GRCh38, 1-based): chr2:17,772,760, G>T. VCF-style: chr2-17772760-G-T. GRCh37 (hg19) VCF-style: chr2-17954027-G-T.
Other names: c.929G>T, p.Ser310Ile (NM_182625.5); short protein forms S310I.
Identifiers: ClinVar variation 3853493 (VCV003853493.1).

ClinVar aggregate classification (germline): Uncertain significance (1 of 4 stars; one submission).

gnomAD v4.1: 2 of 1,611,310 alleles (0.00012%); highest among the groups gnomAD compares: Middle Eastern, 0.033%; no homozygotes.

Submission:

Ambry Genetics
Classification: Uncertain significance. Last evaluated: 2025-01-08. Review status: criteria provided, single submitter. Criteria: Ambry Variant Classification Scheme 2023. Collection method: clinical testing. Allele origin: germline.
Comment: The p.S310I variant (also known as c.929G>T), located in coding exon 7 of the GEN1 gene, results from a G to T substitution at nucleotide position 929. The serine at codon 310 is replaced by isoleucine, an amino acid with dissimilar properties. This amino acid position is conserved. In addition, this alteration is predicted to be tolerated by in silico analysis. Based on the available evidence, the clinical significance of this variant remains unclear.